The following is an entry in ClinVar:

ClinVar aggregate classification (germline): Uncertain significance (1 of 4 stars; one submission).

Conditions:
Hereditary pancreatitis (PCTT). Also called: Hereditary chronic pancreatitis; PRSS1-Related Hereditary Pancreatitis. Identifiers: Orphanet 676, MedGen C0238339, MONDO:0008185, OMIM 167800.

Submission:

Ambry Genetics
Classification: Uncertain significance for Hereditary pancreatitis. Last evaluated: 2025-07-16. Review status: criteria provided, single submitter. Criteria: Ambry Variant Classification Scheme 2023. Collection method: clinical testing. Allele origin: germline.
Comment: The p.D92G variant (also known as c.275A>G), located in coding exon 3 of the CPA1 gene, results from an A to G substitution at nucleotide position 275. The aspartic acid at codon 92 is replaced by glycine, an amino acid with similar properties. This amino acid position is conserved. In addition, the in silico prediction for this alteration is inconclusive. Based on the available evidence, the clinical significance of this variant remains unclear.

NM_001868.4(CPA1):c.275A>G (p.Asp92Gly)

Gene: CPA1 (carboxypeptidase A1; plus strand). Cytogenetic location: 7q32.2.
Variant type: single nucleotide variant.
Coding change: c.275A>G on transcript NM_001868.4 (MANE Select); coding-DNA position 275, A replaced by G.
Protein change: p.Asp92Gly; replaces aspartic acid 92 with glycine.
Molecular consequence: missense variant.
Genome position (GRCh38, 1-based): chr7:130,381,757, A>G. VCF-style: chr7-130381757-A-G. GRCh37 (hg19) VCF-style: chr7-130021598-A-G.
Other names: short protein forms D92G.
Identifiers: ClinVar variation 4233092 (VCV004233092.1).
Genomic context (GRCh38, chr7:130,381,757, plus strand): 5'-TCCAGGCGGTCAAGATCTTTCTGGAGTCCCACGGCATCAGCTATGAGACCATGATCGAGG[A>G]CGTGCAGTCGCTGCTGGACGAGGAGCAGGAGCAGATGTTCGCCTTCCGGTCCCGGGCGCG-3'
Protein context (NP_001859.1, residues 82-102): HGISYETMIE[Asp92Gly]VQSLLDEEQE